The following is an entry in ClinVar:

ClinVar aggregate classification (germline): Uncertain significance (1 of 4 stars; one submission).

gnomAD v4.1: 36 of 1,613,984 alleles (0.0022%); highest among the groups gnomAD compares: Non-Finnish European, 0.0028%; no homozygotes.

Submission:

Labcorp Genetics (formerly Invitae), Labcorp
Classification: Uncertain significance. Last evaluated: 2024-02-08. Review status: criteria provided, single submitter. Criteria: Invitae Variant Classification Sherloc (09022015). Collection method: clinical testing. Allele origin: germline.
Comment: This sequence change replaces alanine, which is neutral and non-polar, with valine, which is neutral and non-polar, at codon 517 of the ZBTB20 protein (p.Ala517Val). This variant is present in population databases (rs771120579, gnomAD 0.002%). This variant has not been reported in the literature in individuals affected with ZBTB20-related conditions. Advanced modeling of protein sequence and biophysical properties (such as structural, functional, and spatial information, amino acid conservation, physicochemical variation, residue mobility, and thermodynamic stability) has been performed at Invitae for this missense variant, however the output from this modeling did not meet the statistical confidence thresholds required to predict the impact of this variant on ZBTB20 protein function. In summary, the available evidence is currently insufficient to determine the role of this variant in disease. Therefore, it has been classified as a Variant of Uncertain Significance.

NM_001348800.3(ZBTB20):c.1550C>T (p.Ala517Val)

Gene: ZBTB20 (zinc finger and BTB domain containing 20; minus strand). Cytogenetic location: 3q13.31.
Variant type: single nucleotide variant.
Coding change: c.1550C>T on transcript NM_001348800.3 (MANE Select); coding-DNA position 1550, C replaced by T.
Protein change: p.Ala517Val; replaces alanine 517 with valine.
Molecular consequence: missense variant.
Genome position (GRCh38, 1-based): chr3:114,350,528, G>A on the plus strand (C>T on the coding strand, the complement: ZBTB20 is on the minus strand). VCF-style: chr3-114350528-G-A. GRCh37 (hg19) VCF-style: chr3-114069375-G-A.
Other names: c.1331C>T, p.Ala444Val (NM_001393396.1, NM_015642.7, NM_001164347.2 and 9 more transcripts); c.1550C>T, p.Ala517Val (NM_001348803.3, NM_001393393.1, NM_001393394.1 and 1 more transcripts); short protein forms A444V, A517V.
Identifiers: ClinVar variation 3676836 (VCV003676836.2).